The following is an entry in ClinVar:

NM_213599.3(ANO5):c.295-8dup

Gene: ANO5 (anoctamin 5; plus strand). Cytogenetic location: 11p14.3.
Variant type: Duplication.
Coding change: c.295-8dup on transcript NM_213599.3 (MANE Select); 8 bases into the intron before coding-DNA position 295, one base duplicated (T; older notation c.295-8dupT).
Molecular consequence: intron variant.
Genome position (GRCh38, 1-based): chr11:22,225,976, T duplicated; the last of 9 consecutive T bases (chr11:22,225,968-22,225,976); duplicating any one gives the same sequence. VCF-style (leftmost placement, unchanged base first): chr11-22225967-A-AT. GRCh37 (hg19) VCF-style: chr11-22247513-A-AT.
Other names: c.292-8dup (NM_001142649.2); c.295-8dupT (NM_213599.2).
Identifiers: ClinVar variation 198299 (VCV000198299.51), dbSNP rs778435515, ClinGen allele CA246860.

ClinVar aggregate classification (germline): Conflicting classifications of pathogenicity. Review status: criteria provided, conflicting classifications (1 of 4 stars). 8 submissions from 8 submitters: Uncertain significance (1); Benign (3); Likely benign (2). 2 of the submissions do not count toward it. Last evaluated 2026-02-01.

Conditions:
Autosomal recessive limb-girdle muscular dystrophy type 2L (LGMDR12). Also called: Limb-girdle muscular dystrophy, type 2L; MUSCULAR DYSTROPHY, LIMB-GIRDLE, AUTOSOMAL RECESSIVE 12; Limb-Girdle Muscular Dystrophy R12 Anoctamin-5-Related (LGMD-R12). Identifiers: Orphanet 206549, MedGen C1969785, MONDO:0012652, OMIM 611307.
Gnathodiaphyseal dysplasia (GDD). Also called: OSTEOGENESIS IMPERFECTA WITH UNUSUAL SKELETAL LESIONS; GNATHODIAPHYSEAL SCLEROSIS. Identifiers: Orphanet 53697, MedGen C1833736, MONDO:0008151, OMIM 166260.

Submissions (8):

Labcorp Genetics (formerly Invitae), Labcorp
Classification: Benign for Autosomal recessive limb-girdle muscular dystrophy type 2L; Gnathodiaphyseal dysplasia. Last evaluated: 2026-02-01. Review status: criteria provided, single submitter. Criteria: Invitae Variant Classification Sherloc (09022015). Collection method: clinical testing. Allele origin: germline.

Blueprint Genetics
Classification: Likely benign. Last evaluated: 2024-11-25. Review status: criteria provided, single submitter. Criteria: ACMG Guidelines, 2015. Collection method: clinical testing. Allele origin: germline.

ARUP Laboratories, Molecular Genetics and Genomics, ARUP Laboratories
Classification: Benign. Last evaluated: 2023-10-19. Review status: criteria provided, single submitter. Criteria: ARUP Molecular Germline Variant Investigation Process 2024. Collection method: clinical testing. Allele origin: germline.

CeGaT Center for Human Genetics Tuebingen
Classification: Benign. Last evaluated: 2023-03-01. Review status: criteria provided, single submitter. Criteria: CeGaT Center For Human Genetics Tuebingen Variant Classification Criteria Version 2. Collection method: clinical testing. Allele origin: germline. Affected: yes. Observed: 3 variant alleles.
Comment: ANO5: BP4, BS1, BS2

GeneDx
Classification: Likely benign. Last evaluated: 2021-05-10. Review status: criteria provided, single submitter. Criteria: GeneDx Variant Classification Process June 2021. Collection method: clinical testing. Allele origin: germline. Affected: yes.

Eurofins Ntd Llc (ga)
Classification: Uncertain significance. Last evaluated: 2015-10-23. Review status: criteria provided, single submitter. Criteria: EGL Classification Definitions. Collection method: clinical testing. Allele origin: germline. Observed: 7 variant alleles, 4 heterozygotes.

Clinical Genetics, Academic Medical Center
Classification: Benign. Review status: no assertion criteria provided. Collection method: clinical testing. Allele origin: germline. Affected: yes. Study: VKGL Data-share Consensus. Not counted in ClinVar's aggregate classification.

Diagnostic Laboratory, Department of Genetics, University Medical Center Groningen
Classification: Benign. Review status: no assertion criteria provided. Collection method: clinical testing. Allele origin: germline. Affected: yes. Study: VKGL Data-share Consensus. Not counted in ClinVar's aggregate classification.